The following is an entry in ClinVar:

NM_000026.4(ADSL):c.146C>T (p.Ala49Val)

Gene: ADSL (adenylosuccinate lyase; plus strand). Cytogenetic location: 22q13.1.
Variant type: single nucleotide variant.
Coding change: c.146C>T on transcript NM_000026.4 (MANE Select); coding-DNA position 146, C replaced by T.
Protein change: p.Ala49Val; replaces alanine 49 with valine.
Molecular consequence: missense variant. On other transcripts: non-coding transcript variant (1), intron variant (1).
Genome position (GRCh38, 1-based): chr22:40,346,704, C>T. VCF-style: chr22-40346704-C-T. GRCh37 (hg19) VCF-style: chr22-40742708-C-T.
Other names: c.146C>T, p.Ala49Val (NM_001123378.3, NM_001363840.3); c.-40+48C>T (NM_001317923.2); short protein forms A49V.
Identifiers: ClinVar variation 1390149 (VCV001390149.6), dbSNP rs752938873, ClinGen allele CA411632907.

ClinVar aggregate classification (germline): Uncertain significance (1 of 4 stars; one submission).

Conditions:
Adenylosuccinate lyase deficiency (ADSLD). Also called: ADSL DEFICIENCY. Identifiers: Orphanet 46, MedGen C0268126, MONDO:0007068, OMIM 103050.

Allele frequency attached by ClinVar (database versions not stated): gnomAD 0.00001.
gnomAD v4.1: 1 of 1,604,084 alleles (0.000062%); highest among the groups gnomAD compares: African/African-American, 0.0013%; no homozygotes.

Submission:

Labcorp Genetics (formerly Invitae), Labcorp
Classification: Uncertain significance for Adenylosuccinate lyase deficiency. Last evaluated: 2021-10-29. Review status: criteria provided, single submitter. Criteria: Invitae Variant Classification Sherloc (09022015). Collection method: clinical testing. Allele origin: germline.
Comment: This sequence change replaces alanine, which is neutral and non-polar, with valine, which is neutral and non-polar, at codon 49 of the ADSL protein (p.Ala49Val). In summary, the available evidence is currently insufficient to determine the role of this variant in disease. Therefore, it has been classified as a Variant of Uncertain Significance. Advanced modeling of protein sequence and biophysical properties (such as structural, functional, and spatial information, amino acid conservation, physicochemical variation, residue mobility, and thermodynamic stability) performed at Invitae indicates that this missense variant is expected to disrupt ADSL protein function. This variant has not been reported in the literature in individuals affected with ADSL-related conditions. This variant is present in population databases (no rsID available, gnomAD 0.01%).